The following is an entry in ClinVar:

NM_000396.4(CTSK):c.48del (p.Tyr17fs)

Gene: CTSK (cathepsin K; minus strand). Cytogenetic location: 1q21.3.
Variant type: Deletion.
Coding change: c.48del on transcript NM_000396.4 (MANE Select); coding-DNA position 48, one base deleted (G; older notation c.48delG).
Protein change: p.Tyr17fs; shifts the reading frame from tyrosine 17.
Molecular consequence: frameshift variant.
Genome position (GRCh38, 1-based): chr1:150,806,758, C deleted on the plus strand (G on the coding strand, the reverse complement: CTSK is on the minus strand). VCF-style (leftmost placement, unchanged base first): chr1-150806757-AC-A. GRCh37 (hg19) VCF-style: chr1-150779233-AC-A.
Other names: c.48delG (NM_000396.3); c.48del (NM_000396.3); short protein forms Y17fs.
Identifiers: ClinVar variation 370816 (VCV000370816.7), dbSNP rs1057516790, ClinGen allele CA16040662.

ClinVar aggregate classification (germline): Pathogenic/Likely pathogenic. Review status: criteria provided, multiple submitters, no conflicts (2 of 4 stars). 3 submissions from 3 submitters: Pathogenic (1); Likely pathogenic (1). 1 of the submissions does not count toward it. Last evaluated 2024-12-12.

Conditions:
Pyknodysostosis. Also called: Pycnodysostosis. Identifiers: Orphanet 763, MedGen C0238402, MONDO:0009940, OMIM 265800.

Allele frequency attached by ClinVar (database versions not stated): TOPMed 0.00001; gnomAD exomes below 0.00001.

Submissions (3):

Natera, Inc.
Classification: Likely pathogenic for Pyknodysostosis. Last evaluated: 2024-12-12. Review status: criteria provided, single submitter. Criteria: Natera Variant Classification Schema (03/2026). Collection method: clinical testing. Allele origin: germline.
Comment: The c.48del variant in CTSK is a frameshift variant predicted to shift the reading frame beginning at codon 17 and leads to a stop codon 32 codons downstream. This variant is expected to result in nonsense mediated decay, truncation, or a dysfunctional protein product. This variant is rare in the general population with a frequency below the threshold expected for the associated phenotype(s). Given the available evidence, this variant is classified as Likely Pathogenic.

Labcorp Genetics (formerly Invitae), Labcorp
Classification: Pathogenic. Last evaluated: 2023-04-06. Review status: criteria provided, single submitter. Criteria: Invitae Variant Classification Sherloc (09022015). Collection method: clinical testing. Allele origin: germline.
Comment: This sequence change creates a premature translational stop signal (p.Tyr17Thrfs*32) in the CTSK gene. It is expected to result in an absent or disrupted protein product. Loss-of-function variants in CTSK are known to be pathogenic (PMID: 12125807, 21569238). This variant is not present in population databases (gnomAD no frequency). This variant has not been reported in the literature in individuals affected with CTSK-related conditions. ClinVar contains an entry for this variant (Variation ID: 370816). For these reasons, this variant has been classified as Pathogenic.

Counsyl
Classification: Likely pathogenic for Pyknodysostosis. Last evaluated: 2016-04-19. Review status: no assertion criteria provided. Collection method: clinical testing. Allele origin: unknown. Not counted in ClinVar's aggregate classification.

Literature cited by the submitters: PubMed 12125807 (cited by Labcorp Genetics (formerly Invitae), Labcorp); PubMed 21569238 (cited by Labcorp Genetics (formerly Invitae), Labcorp).